The following is an entry in ClinVar:

ClinVar aggregate classification (germline): Uncertain significance. Review status: criteria provided, multiple submitters, no conflicts (2 of 4 stars). 2 submissions from 2 submitters: Uncertain significance (2). Last evaluated 2022-11-15.

Conditions:
Inborn genetic diseases. Identifiers: MedGen C0950123, MeSH D030342.
Dyskeratosis congenita. Identifiers: Orphanet 1775, MedGen C0265965, MONDO:0015780.

Allele frequency attached by ClinVar (database versions not stated): gnomAD 0.00003; TOPMed 0.00005; ESP Exome Variant Server 0.00016.
gnomAD v4.1: 9 of 1,613,904 alleles (0.00056%); highest among the groups gnomAD compares: African/African-American, 0.011%; no homozygotes.

Submissions (2):

Labcorp Genetics (formerly Invitae), Labcorp
Classification: Uncertain significance for Dyskeratosis congenita. Last evaluated: 2022-11-15. Review status: criteria provided, single submitter. Criteria: Invitae Variant Classification Sherloc (09022015). Collection method: clinical testing. Allele origin: germline.
Comment: In summary, the available evidence is currently insufficient to determine the role of this variant in disease. Therefore, it has been classified as a Variant of Uncertain Significance. Advanced modeling of protein sequence and biophysical properties (such as structural, functional, and spatial information, amino acid conservation, physicochemical variation, residue mobility, and thermodynamic stability) performed at Invitae indicates that this missense variant is expected to disrupt CTC1 protein function. ClinVar contains an entry for this variant (Variation ID: 573891). This variant has not been reported in the literature in individuals affected with CTC1-related conditions. This variant is present in population databases (rs375293707, gnomAD 0.02%). This sequence change replaces glycine, which is neutral and non-polar, with tryptophan, which is neutral and slightly polar, at codon 414 of the CTC1 protein (p.Gly414Trp).

Ambry Genetics
Classification: Uncertain significance for Inborn genetic diseases. Last evaluated: 2021-10-12. Review status: criteria provided, single submitter. Criteria: Ambry Variant Classification Scheme 2023. Collection method: clinical testing. Allele origin: germline.

NM_025099.6(CTC1):c.1240G>T (p.Gly414Trp)

Gene: CTC1 (CST telomere replication complex component 1; minus strand). Cytogenetic location: 17p13.1.
Variant type: single nucleotide variant.
Coding change: c.1240G>T on transcript NM_025099.6 (MANE Select); coding-DNA position 1240, G replaced by T.
Protein change: p.Gly414Trp; replaces glycine 414 with tryptophan.
Molecular consequence: missense variant. On other transcripts: non-coding transcript variant (1).
Genome position (GRCh38, 1-based): chr17:8,235,252, C>A on the plus strand (G>T on the coding strand, the complement: CTC1 is on the minus strand). VCF-style: chr17-8235252-C-A. GRCh37 (hg19) VCF-style: chr17-8138570-C-A.
Other names: short protein forms G414W.
Identifiers: ClinVar variation 573891 (VCV000573891.14), dbSNP rs375293707, ClinGen allele CA8372411.